The following is an entry in ClinVar:

NM_005560.6(LAMA5):c.9493C>T (p.Arg3165Trp)

Gene: LAMA5 (laminin subunit alpha 5; minus strand). Cytogenetic location: 20q13.33.
Variant type: single nucleotide variant.
Coding change: c.9493C>T on transcript NM_005560.6 (MANE Select); coding-DNA position 9493, C replaced by T.
Protein change: p.Arg3165Trp; replaces arginine 3165 with tryptophan.
Molecular consequence: missense variant.
Genome position (GRCh38, 1-based): chr20:62,312,184, G>A on the plus strand (C>T on the coding strand, the complement: LAMA5 is on the minus strand). VCF-style: chr20-62312184-G-A. GRCh37 (hg19) VCF-style: chr20-60887240-G-A.
Other names: c.9493C>T (NM_005560.4); short protein forms R3165W.
Identifiers: ClinVar variation 2356989 (VCV002356989.6), dbSNP rs143386487, ClinGen allele CA9940225.

ClinVar aggregate classification (germline): Conflicting classifications of pathogenicity. Review status: criteria provided, conflicting classifications (1 of 4 stars). 3 submissions from 3 submitters: Uncertain significance (1); Benign (1). 1 of the submissions does not count toward it. Last evaluated 2025-06-12.

Conditions:
LAMA5-related disorder. Also called: LAMA5-related condition; LAMA5-Related Disorders.
Inborn genetic diseases. Identifiers: MedGen C0950123, MeSH D030342.

Allele frequency attached by ClinVar (database versions not stated): ExAC 0.00081; ESP Exome Variant Server 0.00008; 1000 Genomes Project 30x 0.00016; 1000 Genomes Project 0.00020; TOPMed 0.00020; gnomAD 0.00039.
gnomAD v4.1: 464 of 1,610,504 alleles (0.029%); highest among the groups gnomAD compares: Non-Finnish European, 0.024%; no homozygotes.

Submissions (3):

Labcorp Genetics (formerly Invitae), Labcorp
Classification: Benign. Last evaluated: 2025-06-12. Review status: criteria provided, single submitter. Criteria: Invitae Variant Classification Sherloc (09022015). Collection method: clinical testing. Allele origin: germline.

Ambry Genetics
Classification: Uncertain significance for Inborn genetic diseases. Last evaluated: 2021-09-01. Review status: criteria provided, single submitter. Criteria: Ambry Variant Classification Scheme 2023. Collection method: clinical testing. Allele origin: germline.

PreventionGenetics, part of Exact Sciences
Classification: Likely benign for LAMA5-related condition. Last evaluated: 2024-05-07. Review status: no assertion criteria provided. Collection method: clinical testing. Allele origin: germline. Not counted in ClinVar's aggregate classification.
Comment: This variant is classified as likely benign based on ACMG/AMP sequence variant interpretation guidelines (Richards et al. 2015 PMID: 25741868, with internal and published modifications).